The following is an entry in ClinVar:

ClinVar aggregate classification (germline): Likely benign. Review status: criteria provided, multiple submitters, no conflicts (2 of 4 stars). 3 submissions from 3 submitters: Likely benign (3). Last evaluated 2025-10-07.

Conditions:
Cardiovascular phenotype. Identifiers: MedGen CN230736.
Familial hypercholesterolemia. Also called: Familial hypercholesterolemias; Familial hypercholesterolaemia. Identifiers: MedGen C0020445, MONDO:0005439.
Familial hypobetalipoproteinemia 1. Also called: Hypobetalipoproteinemia, normotriglyceridemic; Acanthocytosis with hypobetalipoproteinemia; APOB-Related Familial Hypobetalipoproteinemia. Identifiers: MedGen C4551990, MONDO:0014252, OMIM 615558.
Hypercholesterolemia, autosomal dominant, type B (FHCL2). Also called: Familial Hypercholesterolemia Type B; HYPERCHOLESTEROLEMIA, FAMILIAL, DUE TO LIGAND-DEFECTIVE APOLIPOPROTEIN B; Familial hypercholesterolemia 2; APOB-Related Familial Hypercholesterolemia, Autosomal Dominant; APOLIPOPROTEIN B-100, FAMILIAL DEFECTIVE; APOLIPOPROTEIN B-100, FAMILIAL LIGAND-DEFECTIVE. Identifiers: MedGen C1704417, MONDO:0007751, OMIM 144010.

Allele frequency attached by ClinVar (database versions not stated): TOPMed 0.00001; gnomAD exomes 0.00006; ExAC 0.00007; gnomAD 0.00001.
gnomAD v4.1: 24 of 1,601,800 alleles (0.0015%); highest among the groups gnomAD compares: East Asian, 0.016%; no homozygotes.

Submissions (3):

Labcorp Genetics (formerly Invitae), Labcorp
Classification: Likely benign for Familial hypobetalipoproteinemia 1; Hypercholesterolemia, autosomal dominant, type B. Last evaluated: 2025-10-07. Review status: criteria provided, single submitter. Criteria: Invitae Variant Classification Sherloc (09022015). Collection method: clinical testing. Allele origin: germline.

GENinCode PLC
Classification: Likely benign for Familial hypercholesterolemia. Last evaluated: 2023-05-09. Review status: criteria provided, single submitter. Criteria: ACMG Guidelines, 2015. Collection method: clinical testing. Allele origin: germline.
Comment: This is a synonymous (silent) variant that is not predicted by SpliceAI to impact splicing. In addition, it occurs at a nucleotide that is not conserved. Therefore this variant has been classified as Likely Benign (BP4, BP7).

Ambry Genetics
Classification: Likely benign for Cardiovascular phenotype. Last evaluated: 2023-04-30. Review status: criteria provided, single submitter. Criteria: Ambry Variant Classification Scheme 2023. Collection method: clinical testing. Allele origin: germline.

NM_000384.3(APOB):c.6447T>C (p.Tyr2149=)

Gene: APOB (apolipoprotein B; minus strand). Cytogenetic location: 2p24.1.
Variant type: single nucleotide variant.
Coding change: c.6447T>C on transcript NM_000384.3 (MANE Select); coding-DNA position 6447, T replaced by C.
Protein change: p.Tyr2149=; no amino-acid change (tyrosine 2149 retained).
Molecular consequence: synonymous variant.
Genome position (GRCh38, 1-based): chr2:21,010,421, A>G on the plus strand (T>C on the coding strand, the complement: APOB is on the minus strand). VCF-style: chr2-21010421-A-G. GRCh37 (hg19) VCF-style: chr2-21233293-A-G.
Identifiers: ClinVar variation 927950 (VCV000927950.21), dbSNP rs756491255, ClinGen allele CA063193.